The following is an entry in ClinVar:

NM_000256.3(MYBPC3):c.374C>T (p.Ala125Val)

Gene: MYBPC3 (myosin binding protein C3; minus strand). Cytogenetic location: 11p11.2.
Variant type: single nucleotide variant.
Coding change: c.374C>T on transcript NM_000256.3 (MANE Select); coding-DNA position 374, C replaced by T.
Protein change: p.Ala125Val; replaces alanine 125 with valine.
Molecular consequence: missense variant.
Genome position (GRCh38, 1-based): chr11:47,350,534, G>A on the plus strand (C>T on the coding strand, the complement: MYBPC3 is on the minus strand). VCF-style: chr11-47350534-G-A. GRCh37 (hg19) VCF-style: chr11-47372085-G-A.
Other names: short protein forms A125V.
Identifiers: ClinVar variation 2072636 (VCV002072636.4), dbSNP rs898633317, ClinGen allele CA221707720.

ClinVar aggregate classification (germline): Uncertain significance (1 of 4 stars; one submission).

Conditions:
Hypertrophic cardiomyopathy. Also called: HYPERTROPHIC MYOCARDIOPATHY. Identifiers: Orphanet 217569, MedGen C0007194, MeSH D002312, MONDO:0005045, HP:0001639.

Allele frequency attached by ClinVar (database versions not stated): gnomAD exomes below 0.00001; gnomAD 0.00002; TOPMed 0.00002.
gnomAD v4.1: 5 of 1,557,396 alleles (0.00032%); highest among the groups gnomAD compares: African/African-American, 0.0055%; no homozygotes.

Submission:

Labcorp Genetics (formerly Invitae), Labcorp
Classification: Uncertain significance for Hypertrophic cardiomyopathy. Last evaluated: 2025-03-09. Review status: criteria provided, single submitter. Criteria: Invitae Variant Classification Sherloc (09022015). Collection method: clinical testing. Allele origin: germline.
Comment: This sequence change replaces alanine, which is neutral and non-polar, with valine, which is neutral and non-polar, at codon 125 of the MYBPC3 protein (p.Ala125Val). This variant is not present in population databases (gnomAD no frequency). This variant has not been reported in the literature in individuals affected with MYBPC3-related conditions. ClinVar contains an entry for this variant (Variation ID: 2072636). An algorithm developed to predict the effect of missense changes on protein structure and function (PolyPhen-2) suggests that this variant is likely to be tolerated. In summary, the available evidence is currently insufficient to determine the role of this variant in disease. Therefore, it has been classified as a Variant of Uncertain Significance.